The following is an entry in ClinVar:

ClinVar aggregate classification (germline): Uncertain significance. Review status: criteria provided, multiple submitters, no conflicts (2 of 4 stars). 3 submissions from 3 submitters: Uncertain significance (3). Last evaluated 2025-12-01.

Conditions:
Thrombocytopenia 2 (THC2). Also called: ANKRD26-Related Thrombocytopenia. Identifiers: Orphanet 268322, MedGen C1861185, MONDO:0008555, OMIM 188000.

Submissions (3):

Labcorp Genetics (formerly Invitae), Labcorp
Classification: Uncertain significance. Last evaluated: 2025-12-01. Review status: criteria provided, single submitter. Criteria: Invitae Variant Classification Sherloc (09022015). Collection method: clinical testing. Allele origin: germline.
Comment: This sequence change is expected to alter the c-terminus of the ANKRD26 protein (p.Tyr1700Cysfs*31). While this is not anticipated to result in nonsense mediated decay, it is expected to disrupt the last 11 amino acid(s) of the ANKRD26 protein and extend the protein by 19 additional amino acid residues. This variant is present in population databases (rs764263085, gnomAD 0.005%). This variant has not been reported in the literature in individuals affected with ANKRD26-related conditions. ClinVar contains an entry for this variant (Variation ID: 2890172). Experimental studies and prediction algorithms are not available or were not evaluated, and the functional significance of this variant is currently unknown. In summary, the available evidence is currently insufficient to determine the role of this variant in disease. Therefore, it has been classified as a Variant of Uncertain Significance.

GeneDx
Classification: Uncertain significance. Last evaluated: 2024-05-17. Review status: criteria provided, single submitter. Criteria: GeneDx Variant Classification Process June 2021. Collection method: clinical testing. Allele origin: germline. Affected: yes.
Comment: Frameshift variant predicted to result in abnormal protein length as the last 11 amino acids are replaced with 30 different amino acids in a gene for which loss-of-function is not an established mechanism of disease; Has not been previously published as pathogenic or benign to our knowledge

Pittsburgh Clinical Genomics Laboratory, University of Pittsburgh Medical Center
Classification: Uncertain significance for Thrombocytopenia 2. Last evaluated: 2023-10-24. Review status: criteria provided, single submitter. Criteria: ACMG Guidelines, 2015. Collection method: clinical testing. Allele origin: germline. Inheritance: Autosomal dominant inheritance. Affected: yes.
Comment: This sequence variant is a 2 nucleotide deletion (delAT) in the last of 34 exons in the ANKRD26 gene and results in a termination codon 31 amino acids downstream of the frameshift at codon 1700. This frameshift replaces the final 10 amino acids with 31 amino acids of alternate sequence. This variant is absent from ClinVar and has not been observed in an individual affected by an ANKRD26-related disorder in the published literature, to our knowledge. This variant is present in 12 of 400364 alleles (0.0030%) in the gnomAD population dataset. At this time, there is insufficient evidence to determine if this variant is pathogenic or benign. Therefore, we consider this a variant of uncertain significance. ACMG Criteria: PM2, PM4

NM_014915.3(ANKRD26):c.5099_5100del (p.Tyr1700fs)

Gene: ANKRD26 (ankyrin repeat domain 26; minus strand). Cytogenetic location: 10p12.1.
Variant type: Microsatellite.
Coding change: c.5099_5100del on transcript NM_014915.3 (MANE Select); coding-DNA positions 5099 to 5100, 2 bases deleted (AT; older notation c.5099_5100delAT).
Protein change: p.Tyr1700fs; shifts the reading frame from tyrosine 1700.
Molecular consequence: frameshift variant.
Genome position (GRCh38, 1-based): chr10:27,005,623-27,005,624, AT deleted on the plus strand (AT on the coding strand, the reverse complement: ANKRD26 is on the minus strand); deleting any 2 consecutive bases within chr10:27,005,623-27,005,626 gives the same sequence; the c. name uses the placement nearest the transcript's 3' end. VCF-style (leftmost placement, unchanged base first): chr10-27005622-CAT-C. GRCh37 (hg19) VCF-style: chr10-27294551-CAT-C.
Other names: c.5096_5097del, p.Tyr1699fs (NM_001256053.2); c.5099_5100del (NM_014915.2); short protein forms Y1699fs, Y1700fs.
Identifiers: ClinVar variation 2890172 (VCV002890172.5), dbSNP rs764263085, ClinGen allele CA5447643.